The following is an entry in ClinVar:

NM_145207.3(AFG2A):c.268A>G (p.Ser90Gly)

Gene: AFG2A (AFG2 AAA ATPase homolog A; plus strand). Cytogenetic location: 4q28.1.
Variant type: single nucleotide variant.
Coding change: c.268A>G on transcript NM_145207.3 (MANE Select); coding-DNA position 268, A replaced by G.
Protein change: p.Ser90Gly; replaces serine 90 with glycine.
Molecular consequence: missense variant.
Genome position (GRCh38, 1-based): chr4:122,927,738, A>G. VCF-style: chr4-122927738-A-G. GRCh37 (hg19) VCF-style: chr4-123848893-A-G.
Other names: c.265A>G, p.Ser89Gly (NM_001317799.2, NM_001345856.2); short protein forms S89G, S90G.
Identifiers: ClinVar variation 1909208 (VCV001909208.2), dbSNP rs771854378, ClinGen allele CA3070168.

ClinVar aggregate classification (germline): Uncertain significance (1 of 4 stars; one submission).

Conditions:
Microcephaly-intellectual disability-sensorineural hearing loss-epilepsy-abnormal muscle tone syndrome (NEDHSB). Also called: NEURODEVELOPMENTAL DISORDER WITH HEARING LOSS, SEIZURES, AND BRAIN ABNORMALITIES. Identifiers: Orphanet 457351, MedGen C4225276, MONDO:0014698, OMIM 616577.

Allele frequency attached by ClinVar (database versions not stated): gnomAD 0.00001; TOPMed 0.00001; gnomAD exomes 0.00004; ExAC 0.00005.
gnomAD v4.1: 52 of 1,612,978 alleles (0.0032%); highest among the groups gnomAD compares: Admixed American, 0.0067%; no homozygotes.

Submission:

Labcorp Genetics (formerly Invitae), Labcorp
Classification: Uncertain significance for Microcephaly-intellectual disability-sensorineural hearing loss-epilepsy-abnormal muscle tone syndrome. Last evaluated: 2022-07-29. Review status: criteria provided, single submitter. Criteria: Invitae Variant Classification Sherloc (09022015). Collection method: clinical testing. Allele origin: germline.
Comment: This sequence change replaces serine, which is neutral and polar, with glycine, which is neutral and non-polar, at codon 90 of the SPATA5 protein (p.Ser90Gly). This variant is present in population databases (rs771854378, gnomAD 0.02%). This variant has not been reported in the literature in individuals affected with SPATA5-related conditions. Advanced modeling of protein sequence and biophysical properties (such as structural, functional, and spatial information, amino acid conservation, physicochemical variation, residue mobility, and thermodynamic stability) performed at Invitae indicates that this missense variant is expected to disrupt SPATA5 protein function. In summary, the available evidence is currently insufficient to determine the role of this variant in disease. Therefore, it has been classified as a Variant of Uncertain Significance.